The following is an entry in ClinVar:

ClinVar aggregate classification (germline): Uncertain significance. Review status: criteria provided, multiple submitters, no conflicts (2 of 4 stars). 2 submissions from 2 submitters: Uncertain significance (2). Last evaluated 2025-12-27.

Allele frequency attached by ClinVar (database versions not stated): gnomAD 0.00001; TOPMed 0.00001; gnomAD exomes 0.00003 and 0.00007; ExAC 0.00006.
gnomAD v4.1: 16 of 1,536,788 alleles (0.001%); highest among the groups gnomAD compares: Admixed American, 0.027%; no homozygotes.

Submissions (2):

Labcorp Genetics (formerly Invitae), Labcorp
Classification: Uncertain significance. Last evaluated: 2025-12-27. Review status: criteria provided, single submitter. Criteria: Invitae Variant Classification Sherloc (09022015). Collection method: clinical testing. Allele origin: germline.
Comment: This sequence change falls in intron 31 of the ANKRD26 gene. It does not directly change the encoded amino acid sequence of the ANKRD26 protein. It affects a nucleotide within the consensus splice site. This variant is present in population databases (rs780591166, gnomAD 0.05%), and has an allele count higher than expected for a pathogenic variant. This variant has not been reported in the literature in individuals affected with ANKRD26-related conditions. ClinVar contains an entry for this variant (Variation ID: 1310020). Variants that disrupt the consensus splice site are a relatively common cause of aberrant splicing (PMID: 17576681, 9536098). Algorithms developed to predict the effect of sequence changes on RNA splicing suggest that this variant may disrupt the consensus splice site. In summary, the available evidence is currently insufficient to determine the role of this variant in disease. Therefore, it has been classified as a Variant of Uncertain Significance.

GeneDx
Classification: Uncertain significance. Last evaluated: 2024-03-08. Review status: criteria provided, single submitter. Criteria: GeneDx Variant Classification Process June 2021. Collection method: clinical testing. Allele origin: germline. Affected: yes.
Comment: In silico analysis supports a deleterious effect on splicing; Has not been previously published as pathogenic or benign to our knowledge

Literature cited by the submitters: PubMed 17576681 (cited by Labcorp Genetics (formerly Invitae), Labcorp); PubMed 9536098 (cited by Labcorp Genetics (formerly Invitae), Labcorp).

NM_014915.3(ANKRD26):c.4724+5G>C

Gene: ANKRD26 (ankyrin repeat domain 26; minus strand). Cytogenetic location: 10p12.1.
Variant type: single nucleotide variant.
Coding change: c.4724+5G>C on transcript NM_014915.3 (MANE Select); 5 bases into the intron after coding-DNA position 4724, G replaced by C.
Molecular consequence: intron variant.
Genome position (GRCh38, 1-based): chr10:27,014,489, C>G on the plus strand (G>C on the coding strand, the complement: ANKRD26 is on the minus strand). VCF-style: chr10-27014489-C-G. GRCh37 (hg19) VCF-style: chr10-27303418-C-G.
Other names: c.4721+5G>C (NM_001256053.2).
Identifiers: ClinVar variation 1310020 (VCV001310020.8), dbSNP rs780591166, ClinGen allele CA5447742.